The following is an entry in ClinVar:

NM_032539.5(SLITRK2):c.2345G>C (p.Arg782Thr)

Gene: SLITRK2 (SLIT and NTRK like family member 2; plus strand). Cytogenetic location: Xq27.3.
Variant type: single nucleotide variant.
Coding change: c.2345G>C on transcript NM_032539.5 (MANE Select); coding-DNA position 2345, G replaced by C.
Protein change: p.Arg782Thr; replaces arginine 782 with threonine.
Molecular consequence: missense variant.
Genome position (GRCh38, 1-based): chrX:145,824,770, G>C. VCF-style: chrX-145824770-G-C. GRCh37 (hg19) VCF-style: chrX-144906288-G-C.
Other names: c.2345G>C, p.Arg782Thr (NM_001144003.3, NM_001144004.3, NM_001144005.3 and 4 more transcripts); short protein forms R782T.
Identifiers: ClinVar variation 4681509 (VCV004681509.5).

ClinVar aggregate classification (germline): Likely benign (1 of 4 stars; one submission).

Submission:

CeGaT Center for Human Genetics Tuebingen
Classification: Likely benign. Last evaluated: 2025-12-01. Review status: criteria provided, single submitter. Criteria: CeGaT Center For Human Genetics Tuebingen Variant Classification Criteria Version 2. Collection method: clinical testing. Allele origin: germline. Affected: yes. Observed: 1 variant allele.
Comment: SLITRK2: BS2